The following is an entry in ClinVar:

NM_017777.4(MKS1):c.193G>C (p.Gly65Arg)

Gene: MKS1 (MKS transition zone complex subunit 1; minus strand). Cytogenetic location: 17q22.
Variant type: single nucleotide variant.
Coding change: c.193G>C on transcript NM_017777.4 (MANE Select); coding-DNA position 193, G replaced by C.
Protein change: p.Gly65Arg; replaces glycine 65 with arginine.
Molecular consequence: missense variant. On other transcripts: 5 prime UTR variant (1).
Genome position (GRCh38, 1-based): chr17:58,216,734, C>G on the plus strand (G>C on the coding strand, the complement: MKS1 is on the minus strand). VCF-style: chr17-58216734-C-G. GRCh37 (hg19) VCF-style: chr17-56294095-C-G.
Other names: c.-319G>C (NM_001321268.2); c.193G>C, p.Gly65Arg (NM_001321269.2, NM_001330397.2, NM_001411113.1); short protein forms G65R.
Identifiers: ClinVar variation 2172854 (VCV002172854.1), dbSNP rs2509457762, ClinGen allele CA400327840.
Genomic context (GRCh38, chr17:58,216,734, plus strand): 5'-AGAGCTTCTCCTGCCACCCAATCACAATCTCCTCCTCTTCGTCTTCCTCTGGGCGGTGTC[C>G]ACCTCCAAAGACAACAGAGTGAATCAAATGCTTGAGCCAAACCAGCACCACTTCTTGTTC-3'
Protein context (NP_060247.2, residues 55-75): ATFRPQPTAS[Gly65Arg]HRPEEDEEEE

ClinVar aggregate classification (germline): Uncertain significance (1 of 4 stars; one submission).

Conditions:
Joubert syndrome. Also called: CEREBELLOPARENCHYMAL DISORDER IV; JOUBERT-BOLTSHAUSER SYNDROME; Familial aplasia of the vermis. Identifiers: Orphanet 475, MedGen C5979921, MONDO:0018772.
Meckel-Gruber syndrome. Also called: DYSENCEPHALIA SPLANCHNOCYSTICA; GRUBER SYNDROME; Dysencephalia splachnocystica. Identifiers: Orphanet 564, MedGen C0265215, MONDO:0018921.

Submission:

Labcorp Genetics (formerly Invitae), Labcorp
Classification: Uncertain significance for Joubert syndrome; Meckel-Gruber syndrome. Last evaluated: 2022-06-22. Review status: criteria provided, single submitter. Criteria: Invitae Variant Classification Sherloc (09022015). Collection method: clinical testing. Allele origin: germline.
Comment: This sequence change replaces glycine, which is neutral and non-polar, with arginine, which is basic and polar, at codon 65 of the MKS1 protein (p.Gly65Arg). This variant is not present in population databases (gnomAD no frequency). This variant has not been reported in the literature in individuals affected with MKS1-related conditions. Algorithms developed to predict the effect of missense changes on protein structure and function are either unavailable or do not agree on the potential impact of this missense change (SIFT: "Tolerated"; PolyPhen-2: "Possibly Damaging"; Align-GVGD: "Class C0"). In summary, the available evidence is currently insufficient to determine the role of this variant in disease. Therefore, it has been classified as a Variant of Uncertain Significance.